The following is an entry in ClinVar:

ClinVar aggregate classification (germline): Benign (1 of 4 stars; one submission).

Allele frequency attached by ClinVar (database versions not stated): TOPMed 0.00048; gnomAD 0.00054; gnomAD exomes 0.00066; ExAC 0.00078; 1000 Genomes Project 30x 0.00031; ESP Exome Variant Server 0.00038; 1000 Genomes Project 0.00040.
gnomAD v4.1: 1,061 of 1,613,992 alleles (0.066%); highest among the groups gnomAD compares: Middle Eastern, 0.31%; 3 homozygotes.

Submission:

CeGaT Center for Human Genetics Tuebingen
Classification: Benign. Last evaluated: 2025-08-01. Review status: criteria provided, single submitter. Criteria: CeGaT Center For Human Genetics Tuebingen Variant Classification Criteria Version 2. Collection method: clinical testing. Allele origin: germline. Affected: yes. Observed: 3 variant alleles.
Comment: TMEM63A: BS1, BS2

NM_014698.3(TMEM63A):c.1309A>G (p.Thr437Ala)

Gene: TMEM63A (transmembrane protein 63A; minus strand). Cytogenetic location: 1q42.12.
Variant type: single nucleotide variant.
Coding change: c.1309A>G on transcript NM_014698.3 (MANE Select); coding-DNA position 1309, A replaced by G.
Protein change: p.Thr437Ala; replaces threonine 437 with alanine.
Molecular consequence: missense variant.
Genome position (GRCh38, 1-based): chr1:225,859,264, T>C on the plus strand (A>G on the coding strand, the complement: TMEM63A is on the minus strand). VCF-style: chr1-225859264-T-C. GRCh37 (hg19) VCF-style: chr1-226046964-T-C.
Other names: short protein forms T437A.
Identifiers: ClinVar variation 1711241 (VCV001711241.30), dbSNP rs149848059, ClinGen allele CA1419206.
Genomic context (GRCh38, chr1:225,859,264, plus strand): 5'-CATGGATGGGTTTGGTGACATTAAACTTGTCCATGGTGGACAGGATGATGGAGGGTGTGG[T>C]CAGGAAAAATAGCCCCAGGAAGAGGGTGAAGTTGATGCCCAGCCACTGTAGCCACCAGCG-3'
Protein context (NP_055513.2, residues 427-447): FTLFLGLFFL[Thr437Ala]TPSIILSTMD